The following is an entry in ClinVar:

NM_001164508.2(NEB):c.23198dup (p.Asp7734fs)

Genes: NEB (nebulin; minus strand), RIF1 (replication timing regulatory factor 1; plus strand). Cytogenetic location: 2q23.3.
Variant type: Duplication.
Coding change: c.23198dup on transcript NM_001164508.2 (MANE Select); coding-DNA position 23198, one base duplicated (C; older notation c.23198dupC).
Protein change: p.Asp7734fs; shifts the reading frame from aspartic acid 7734.
Molecular consequence: frameshift variant.
Genome position (GRCh38, 1-based): chr2:151,513,623, G duplicated on the plus strand (C on the coding strand, the reverse complement: NEB is on the minus strand); the first of 2 consecutive G bases (chr2:151,513,623-151,513,624); duplicating either gives the same sequence. VCF-style (leftmost placement, unchanged base first): chr2-151513622-C-CG. GRCh37 (hg19) VCF-style: chr2-152370136-C-CG.
Other names: c.23198dup, p.Asp7734fs (NM_001164507.2); c.23303dup, p.Asp7769fs (NM_001271208.2); c.18095dup, p.Asp6033fs (NM_004543.5); short protein forms D6033fs, D7734fs, D7769fs.
Identifiers: ClinVar variation 5011989 (VCV005011989.1).

ClinVar aggregate classification (germline): Pathogenic (1 of 4 stars; one submission).

Conditions:
Nemaline myopathy 2 (NEM2). Also called: Nemaline myopathy 2, autosomal recessive. Identifiers: MedGen C1850569, MONDO:0009725, OMIM 256030.

Submission:

Myriad Genetics, Inc.
Classification: Pathogenic for Nemaline myopathy 2. Last evaluated: 2023-09-27. Review status: criteria provided, single submitter. Criteria: Myriad Autosomal Dominant, Autosomal Recessive and X-Linked Classification Criteria (2023). Collection method: clinical testing. Allele origin: unknown.
Comment: NM_001271208.1(NEB):c.23303dupC(D7769Gfs*10) is expected to be pathogenic in the context of NEB-related nemaline myopathy. This variant is predicted to lead to an abnormal or absent protein product due to the creation of a premature termination codon in NEB, a gene where loss-of-function variants are known to be pathogenic. Please note: this variant was assessed in the context of healthy population screening.